The following is an entry in ClinVar:

NM_024911.7(WLS):c.1390G>A (p.Gly464Ser)

Genes: WLS (Wnt ligand secretion mediator; minus strand), GNG12-AS1 (GNG12, DIRAS3 and WLS antisense RNA 1; plus strand). Cytogenetic location: 1p31.3.
Variant type: single nucleotide variant.
Coding change: c.1390G>A on transcript NM_024911.7 (MANE Select); coding-DNA position 1390, G replaced by A.
Protein change: p.Gly464Ser; replaces glycine 464 with serine.
Molecular consequence: missense variant.
Genome position (GRCh38, 1-based): chr1:68,137,906, C>T on the plus strand (G>A on the coding strand, the complement: WLS is on the minus strand). VCF-style: chr1-68137906-C-T. GRCh37 (hg19) VCF-style: chr1-68603589-C-T.
Other names: c.1384G>A, p.Gly462Ser (NM_001002292.4); c.1117G>A, p.Gly373Ser (NM_001193334.1); short protein forms G373S, G462S, G464S.
Identifiers: ClinVar variation 3898438 (VCV003898438.7).

ClinVar aggregate classification (germline): Uncertain significance (1 of 4 stars; one submission).

Submission:

CeGaT Center for Human Genetics Tuebingen
Classification: Uncertain significance. Last evaluated: 2025-04-01. Review status: criteria provided, single submitter. Criteria: CeGaT Center For Human Genetics Tuebingen Variant Classification Criteria Version 2. Collection method: clinical testing. Allele origin: germline. Affected: yes. Observed: 2 variant alleles.
Comment: WLS: PM2, BP4